The following is an entry in ClinVar:

ClinVar aggregate classification (germline): Pathogenic (1 of 4 stars; one submission).

Conditions:
Charcot-Marie-Tooth disease, type I (CMT1). Also called: Charcot-Marie-Tooth, Type 1; Charcot-Marie-Tooth disease type 1. Identifiers: Orphanet 65753, MedGen C0751036, MONDO:0019011.

Submission:

Labcorp Genetics (formerly Invitae), Labcorp
Classification: Pathogenic for Charcot-Marie-Tooth disease, type I. Last evaluated: 2025-07-15. Review status: criteria provided, single submitter. Criteria: Invitae Variant Classification Sherloc (09022015). Collection method: clinical testing. Allele origin: germline.
Comment: This sequence change creates a premature translational stop signal (p.Val23Glyfs*25) in the MPZ gene. It is expected to result in an absent or disrupted protein product. Loss-of-function variants in MPZ are known to be pathogenic (PMID: 14711881). This variant is not present in population databases (gnomAD no frequency). This variant has not been reported in the literature in individuals affected with MPZ-related conditions. Algorithms developed to predict the effect of sequence changes on RNA splicing suggest that this variant may disrupt the consensus splice site. For these reasons, this variant has been classified as Pathogenic.

Literature cited by the submitters: PubMed 14711881.

NM_000530.8(MPZ):c.65_66insAG (p.Val23fs)

Gene: MPZ (myelin protein zero; minus strand). Cytogenetic location: 1q23.3.
Variant type: Insertion.
Coding change: c.65_66insAG on transcript NM_000530.8 (MANE Select); coding-DNA positions 65 to 66, AG inserted.
Protein change: p.Val23fs; shifts the reading frame from valine 23.
Molecular consequence: frameshift variant.
Genome position: GRCh38 VCF-style: chr1-161309840-C-CCT. GRCh37 (hg19) VCF-style: chr1-161279630-C-CCT.
Other names: c.65_66insAG, p.Val23fs (NM_001315491.2); short protein forms V23fs.
Identifiers: ClinVar variation 4723275 (VCV004723275.1).
Genomic context (GRCh38, chr1:161,309,840, plus strand): 5'-GGGGATTGCTGAGAGACACCTGAGTCCCAAGACTCCCAGAGTAGAGTGGCTCCACTTACC[C>CCT]AAAGAAGAGAAGAGCAGCACAGCCAGGATAGGGCTGGGGCTGGATGAGGGAGCCCCAGGA-3'